The following is an entry in ClinVar:

ClinVar aggregate classification (germline): Uncertain significance (1 of 4 stars; one submission).

Submission:

GeneDx
Classification: Uncertain significance. Last evaluated: 2019-05-30. Review status: criteria provided, single submitter. Criteria: GeneDx Variant Classification Process June 2021. Collection method: clinical testing. Allele origin: germline. Affected: yes.
Comment: Not observed in large population cohorts (Lek et al., 2016); Published functional studies suggest a damaging effect with the variant decreasing the stability of the BLOC-3 complex in comparison to wild-type; however, the BLOC-3 complex is not established (Carmona-Rivera et al., 2013); In silico analysis, which includes protein predictors and evolutionary conservation, supports that this variant does not alter protein structure/function; This variant is associated with the following publications: (PMID: 17933573, 23103514)

NM_000195.5(HPS1):c.1639G>T (p.Val547Leu)

Gene: HPS1 (HPS1 biogenesis of lysosomal organelles complex 3 subunit 1; minus strand). Cytogenetic location: 10q24.2.
Variant type: single nucleotide variant.
Coding change: c.1639G>T on transcript NM_000195.5 (MANE Select); coding-DNA position 1639, G replaced by T.
Protein change: p.Val547Leu; replaces valine 547 with leucine.
Molecular consequence: missense variant.
Genome position (GRCh38, 1-based): chr10:98,422,473, C>A on the plus strand (G>T on the coding strand, the complement: HPS1 is on the minus strand). VCF-style: chr10-98422473-C-A. GRCh37 (hg19) VCF-style: chr10-100182230-C-A.
Other names: c.667G>T, p.Val223Leu (NM_001311345.2, NM_001322487.2, NM_001322489.2); c.1639G>T, p.Val547Leu (NM_001322476.2, NM_001322477.2); c.1540G>T, p.Val514Leu (NM_001322478.2, NM_001322479.2); c.1378G>T, p.Val460Leu (NM_001322480.2, NM_001322481.2); c.1279G>T, p.Val427Leu (NM_001322482.2); c.1270G>T, p.Val424Leu (NM_001322483.2, NM_001322484.2); c.1171G>T, p.Val391Leu (NM_001322485.2); short protein forms V223L, V391L, V424L, V427L, V460L, V514L, V547L.
Identifiers: ClinVar variation 1199421 (VCV001199421.3), dbSNP rs2136123860, ClinGen allele CA378044260.